The following is an entry in ClinVar:

ClinVar aggregate classification (germline): Uncertain significance (1 of 4 stars; one submission).

Allele frequency attached by ClinVar (database versions not stated): gnomAD exomes 0.00002; TOPMed 0.00002; gnomAD 0.00003 and 0.00002; 1000 Genomes Project 0.00020; 1000 Genomes Project 30x 0.00031; ExAC 0.00002.
gnomAD v4.1: 13 of 1,613,862 alleles (0.00081%); highest among the groups gnomAD compares: South Asian, 0.0055%; no homozygotes.

Submission:

Labcorp Genetics (formerly Invitae), Labcorp
Classification: Uncertain significance. Last evaluated: 2024-10-22. Review status: criteria provided, single submitter. Criteria: Invitae Variant Classification Sherloc (09022015). Collection method: clinical testing. Allele origin: germline.
Comment: This sequence change replaces arginine, which is basic and polar, with cysteine, which is neutral and slightly polar, at codon 499 of the ADGRA3 protein (p.Arg499Cys). This variant is present in population databases (rs551038567, gnomAD 0.007%). This variant has not been reported in the literature in individuals affected with ADGRA3-related conditions. ClinVar contains an entry for this variant (Variation ID: 1469000). An algorithm developed to predict the effect of missense changes on protein structure and function (PolyPhen-2) suggests that this variant is likely to be disruptive. In summary, the available evidence is currently insufficient to determine the role of this variant in disease. Therefore, it has been classified as a Variant of Uncertain Significance.

NM_145290.4(ADGRA3):c.1495C>T (p.Arg499Cys)

Gene: ADGRA3 (adhesion G protein-coupled receptor A3; minus strand). Cytogenetic location: 4p15.2.
Variant type: single nucleotide variant.
Coding change: c.1495C>T on transcript NM_145290.4 (MANE Select); coding-DNA position 1495, C replaced by T.
Protein change: p.Arg499Cys; replaces arginine 499 with cysteine.
Molecular consequence: missense variant.
Genome position (GRCh38, 1-based): chr4:22,424,301, G>A on the plus strand (C>T on the coding strand, the complement: ADGRA3 is on the minus strand). VCF-style: chr4-22424301-G-A. GRCh37 (hg19) VCF-style: chr4-22425924-G-A.
Other names: short protein forms R499C.
Identifiers: ClinVar variation 1469000 (VCV001469000.6), dbSNP rs551038567, ClinGen allele CA2873936.